The following is an entry in ClinVar:

ClinVar aggregate classification (germline): Uncertain significance. Review status: criteria provided, multiple submitters, no conflicts (2 of 4 stars). 3 submissions from 3 submitters: Uncertain significance (3). Last evaluated 2025-03-31.

Conditions:
Cardiovascular phenotype. Identifiers: MedGen CN230736.
Hypertrophic cardiomyopathy 14. Identifiers: MedGen C2750467, MONDO:0013197, OMIM 613251.

Allele frequency attached by ClinVar (database versions not stated): gnomAD 0.00006 and 0.00005; ExAC 0.00002; gnomAD exomes 0.00002; TOPMed 0.00005.
gnomAD v4.1: 24 of 1,614,104 alleles (0.0015%); highest among the groups gnomAD compares: Middle Eastern, 0.016%; no homozygotes.

Submissions (3):

Labcorp Genetics (formerly Invitae), Labcorp
Classification: Uncertain significance for Hypertrophic cardiomyopathy 14. Last evaluated: 2025-03-31. Review status: criteria provided, single submitter. Criteria: Invitae Variant Classification Sherloc (09022015). Collection method: clinical testing. Allele origin: germline.
Comment: This sequence change replaces arginine, which is basic and polar, with cysteine, which is neutral and slightly polar, at codon 34 of the MYH6 protein (p.Arg34Cys). This variant is present in population databases (rs765792077, gnomAD 0.02%). This variant has not been reported in the literature in individuals affected with MYH6-related conditions. ClinVar contains an entry for this variant (Variation ID: 656847). Invitae Evidence Modeling of protein sequence and biophysical properties (such as structural, functional, and spatial information, amino acid conservation, physicochemical variation, residue mobility, and thermodynamic stability) indicates that this missense variant is expected to disrupt MYH6 protein function with a positive predictive value of 80%. In summary, the available evidence is currently insufficient to determine the role of this variant in disease. Therefore, it has been classified as a Variant of Uncertain Significance.

Ambry Genetics
Classification: Uncertain significance for Cardiovascular phenotype. Last evaluated: 2024-11-18. Review status: criteria provided, single submitter. Criteria: Ambry Variant Classification Scheme 2023. Collection method: clinical testing. Allele origin: germline.
Comment: The p.R34C variant (also known as c.100C>T), located in coding exon 1 of the MYH6 gene, results from a C to T substitution at nucleotide position 100. The arginine at codon 34 is replaced by cysteine, an amino acid with highly dissimilar properties. This variant has been reported in an individual with hypertrophic cardiomyopathy and in a sudden infant death case; however, both individuals had additional cardiac variants detected (Seidelmann SB et al. Circ Cardiovasc Genet, 2017 Feb;10:[Epub ahead of print]; Neubauer J et al. Eur J Hum Genet, 2017 04;25:404-409). This amino acid position is not well conserved in available vertebrate species. In addition, the in silico prediction for this alteration is inconclusive. Since supporting evidence is limited at this time, the clinical significance of this alteration remains unclear.

GeneDx
Classification: Uncertain significance. Last evaluated: 2019-08-21. Review status: criteria provided, single submitter. Criteria: GeneDx Variant Classification Process June 2021. Collection method: clinical testing. Allele origin: germline. Affected: yes.
Comment: Has not been previously published as pathogenic or benign to our knowledge; In silico analysis, which includes protein predictors and evolutionary conservation, supports a deleterious effect

Literature cited by the submitters: PubMed 28074886 (cited by Ambry Genetics); PubMed 28087566 (cited by Ambry Genetics).

NM_002471.4(MYH6):c.100C>T (p.Arg34Cys)

Genes: MYH6 (myosin heavy chain 6; minus strand), LOC114827851 (VISTA enhancer hs2155; plus strand). Cytogenetic location: 14q11.2.
Variant type: single nucleotide variant.
Coding change: c.100C>T on transcript NM_002471.4 (MANE Select); coding-DNA position 100, C replaced by T.
Protein change: p.Arg34Cys; replaces arginine 34 with cysteine.
Molecular consequence: missense variant.
Genome position (GRCh38, 1-based): chr14:23,407,124, G>A on the plus strand (C>T on the coding strand, the complement: MYH6 is on the minus strand). VCF-style: chr14-23407124-G-A. GRCh37 (hg19) VCF-style: chr14-23876333-G-A.
Other names: short protein forms R34C.
Identifiers: ClinVar variation 656847 (VCV000656847.13), dbSNP rs765792077, ClinGen allele CA7116265.
Genomic context (GRCh38, chr14:23,407,124, plus strand): 5'-GGGACAAAATCTTGGCTTTGACAAACTCTTCCTTGTCATCGGGCACGAAGCACTCAGTGC[G>A]AATGTCAAAGGGCCGGGTCTGGGCCTCTAGACGCTCCTTCTCTGACTTGCGGAGGTACTG-3'
Protein context (NP_002462.2, residues 24-44): LEAQTRPFDI[Arg34Cys]TECFVPDDKE